The following is an entry in ClinVar:

NM_006343.3(MERTK):c.339T>C (p.Phe113=)

Gene: MERTK (MER proto-oncogene, tyrosine kinase; plus strand). Cytogenetic location: 2q13.
Variant type: single nucleotide variant.
Coding change: c.339T>C on transcript NM_006343.3 (MANE Select); coding-DNA position 339, T replaced by C.
Protein change: p.Phe113=; no amino-acid change (phenylalanine 113 retained).
Molecular consequence: synonymous variant.
Genome position (GRCh38, 1-based): chr2:111,929,397, T>C. VCF-style: chr2-111929397-T-C. GRCh37 (hg19) VCF-style: chr2-112686974-T-C.
Identifiers: ClinVar variation 618713 (VCV000618713.19), dbSNP rs1419559740, ClinGen allele CA428548490.
Genomic context (GRCh38, chr2:111,929,397, plus strand): 5'-TCTTGCCTTCAAACACACAGTTGGACACATAATACTTTCTGAACATAAAGGTGTCAAATT[T>C]AATTGCTCAATCAGTGTACCTAATATATACCAGGACACCACAATTTCTTGGTGGAAAGAT-3'
Protein context (NP_006334.2, residues 103-123): IILSEHKGVK[Phe113=]NCSISVPNIY

ClinVar aggregate classification (germline): Likely benign. Review status: criteria provided, multiple submitters, no conflicts (2 of 4 stars). 4 submissions from 4 submitters: Likely benign (3). 1 of the submissions does not count toward it. Last evaluated 2023-09-22.

Conditions:
MERTK-related disorder. Also called: MERTK-related condition.

Allele frequency attached by ClinVar (database versions not stated): gnomAD exomes below 0.00001; TOPMed 0.00002; gnomAD 0.00003 and 0.00004.
gnomAD v4.1: 9 of 1,614,036 alleles (0.00056%); highest among the groups gnomAD compares: Non-Finnish European, 0.00068%; no homozygotes.

Submissions (4):

Blueprint Genetics
Classification: Likely benign. Last evaluated: 2023-09-22. Review status: criteria provided, single submitter. Criteria: ACMG Guidelines, 2015. Collection method: clinical testing. Allele origin: germline.

Labcorp Genetics (formerly Invitae), Labcorp
Classification: Likely benign. Last evaluated: 2022-01-07. Review status: criteria provided, single submitter. Criteria: Invitae Variant Classification Sherloc (09022015). Collection method: clinical testing. Allele origin: germline.

ARUP Laboratories, Molecular Genetics and Genomics, ARUP Laboratories
Classification: Likely benign. Last evaluated: 2017-06-02. Review status: criteria provided, single submitter. Criteria: ARUP Molecular Germline Variant Investigation Process. Collection method: clinical testing. Allele origin: germline.
Comment: The MERTK c.339T>C;p.Phe113Phe variant has not been published in the medical literature, gene-specific databases, or in the ClinVar database. The variant is not listed in the dbSNP variant database, but is listed in the Genome Aggregation Database with an allele frequency of 0.001 percent (3/277186 alleles). The nucleotide at this position is not well conserved across species and computational algorithms (SpliceSiteFinder-like, MaxEntScan, NNSplice, GeneSplicer, Human Splicing Finder) predict this variant has no significant effect on splicing. Considering available information, this variant is classified as likely benign.

PreventionGenetics, part of Exact Sciences
Classification: Likely benign for MERTK-related condition. Last evaluated: 2020-06-15. Review status: no assertion criteria provided. Collection method: clinical testing. Allele origin: germline. Not counted in ClinVar's aggregate classification.
Comment: This variant is classified as likely benign based on ACMG/AMP sequence variant interpretation guidelines (Richards et al. 2015 PMID: 25741868, with internal and published modifications).